The following is an entry in ClinVar:

NM_001958.5(EEF1A2):c.199C>T (p.Arg67Cys)

Gene: EEF1A2 (eukaryotic translation elongation factor 1 alpha 2; minus strand). Cytogenetic location: 20q13.33.
Variant type: single nucleotide variant.
Coding change: c.199C>T on transcript NM_001958.5 (MANE Select); coding-DNA position 199, C replaced by T.
Protein change: p.Arg67Cys; replaces arginine 67 with cysteine.
Molecular consequence: missense variant.
Genome position (GRCh38, 1-based): chr20:63,495,981, G>A on the plus strand (C>T on the coding strand, the complement: EEF1A2 is on the minus strand). VCF-style: chr20-63495981-G-A. GRCh37 (hg19) VCF-style: chr20-62127334-G-A.
Other names: short protein forms R67C.
Identifiers: ClinVar variation 3250846 (VCV003250846.18), dbSNP rs2082414661.
Genomic context (GRCh38, chr20:63,495,981, plus strand): 5'-TGTAGTACTTGGTGGTCTCGAACTTCCAGAGGGAGATGTCGATGGTGATGCCGCGCTCAC[G>A]CTCCGCCTTCAGCTTGTCCAGCACCCAGGCATACTTGAAGGATCCCTTCCCCATCTGGAG-3'
Protein context (NP_001949.1, residues 57-77): AWVLDKLKAE[Arg67Cys]ERGITIDISL

ClinVar aggregate classification (germline): Likely pathogenic (1 of 4 stars; one submission).

Allele frequency attached by ClinVar (database versions not stated): TOPMed below 0.00001.

Submission:

CeGaT Center for Human Genetics Tuebingen
Classification: Likely pathogenic. Last evaluated: 2024-06-01. Review status: criteria provided, single submitter. Criteria: CeGaT Center For Human Genetics Tuebingen Variant Classification Criteria Version 2. Collection method: clinical testing. Allele origin: germline. Affected: yes. Observed: 2 variant alleles.
Comment: EEF1A2: PM1, PM2, PP2, PP3